The following is an entry in ClinVar:

ClinVar aggregate classification (germline): Likely benign (1 of 4 stars; one submission).

gnomAD v4.1: 2 of 1,613,814 alleles (0.00012%); highest among the groups gnomAD compares: Non-Finnish European, 0.00017%; no homozygotes.

Submission:

CeGaT Center for Human Genetics Tuebingen
Classification: Likely benign. Last evaluated: 2025-02-01. Review status: criteria provided, single submitter. Criteria: CeGaT Center For Human Genetics Tuebingen Variant Classification Criteria Version 2. Collection method: clinical testing. Allele origin: germline. Affected: yes. Observed: 1 variant allele.
Comment: ANK3: BP4

NM_020987.5(ANK3):c.11476G>T (p.Val3826Phe)

Gene: ANK3 (ankyrin 3; minus strand). Cytogenetic location: 10q21.2.
Variant type: single nucleotide variant.
Coding change: c.11476G>T on transcript NM_020987.5 (MANE Select); coding-DNA position 11476, G replaced by T.
Protein change: p.Val3826Phe; replaces valine 3826 with phenylalanine.
Molecular consequence: missense variant. On other transcripts: intron variant (4).
Genome position (GRCh38, 1-based): chr10:60,069,405, C>A on the plus strand (G>T on the coding strand, the complement: ANK3 is on the minus strand). VCF-style: chr10-60069405-C-A. GRCh37 (hg19) VCF-style: chr10-61829163-C-A.
Other names: c.4388-1396G>T (NM_001204403.2); c.4409-1396G>T (NM_001204404.2); c.4406-1396G>T (NM_001320874.2); c.1808-1396G>T (NM_001149.4); short protein forms V3826F.
Identifiers: ClinVar variation 3772434 (VCV003772434.13).